The following is an entry in ClinVar:

ClinVar aggregate classification (germline): Uncertain significance (1 of 4 stars; one submission).

Submission:

Ambry Genetics
Classification: Uncertain significance. Last evaluated: 2024-06-18. Review status: criteria provided, single submitter. Criteria: Ambry Variant Classification Scheme 2023. Collection method: clinical testing. Allele origin: germline.
Comment: The p.P48A variant (also known as c.142C>G), located in coding exon 2 of the NPAT gene, results from a C to G substitution at nucleotide position 142. The proline at codon 48 is replaced by alanine, an amino acid with highly similar properties. This amino acid position is conserved. In addition, the in silico prediction for this alteration is inconclusive. Based on the available evidence, the clinical significance of this variant remains unclear.

NM_002519.3(NPAT):c.142C>G (p.Pro48Ala)

Gene: NPAT (nuclear protein, coactivator of histone transcription; minus strand). Cytogenetic location: 11q22.3.
Variant type: single nucleotide variant.
Coding change: c.142C>G on transcript NM_002519.3 (MANE Select); coding-DNA position 142, C replaced by G.
Protein change: p.Pro48Ala; replaces proline 48 with alanine.
Molecular consequence: missense variant.
Genome position (GRCh38, 1-based): chr11:108,197,316, G>C on the plus strand (C>G on the coding strand, the complement: NPAT is on the minus strand). VCF-style: chr11-108197316-G-C. GRCh37 (hg19) VCF-style: chr11-108068043-G-C.
Other names: c.142C>G, p.Pro48Ala (NM_001321307.1); short protein forms P48A.
Identifiers: ClinVar variation 3300725 (VCV003300725.1).